The following is an entry in ClinVar:

NM_001844.5(COL2A1):c.246C>A (p.Phe82Leu)

Gene: COL2A1 (collagen type II alpha 1 chain; minus strand). Cytogenetic location: 12q13.11.
Variant type: single nucleotide variant.
Coding change: c.246C>A on transcript NM_001844.5 (MANE Select); coding-DNA position 246, C replaced by A.
Protein change: p.Phe82Leu; replaces phenylalanine 82 with leucine.
Molecular consequence: missense variant. On other transcripts: intron variant (1).
Genome position (GRCh38, 1-based): chr12:47,999,965, G>T on the plus strand (C>A on the coding strand, the complement: COL2A1 is on the minus strand). VCF-style: chr12-47999965-G-T. GRCh37 (hg19) VCF-style: chr12-48393748-G-T.
Other names: c.86-1534C>A (NM_033150.3); short protein forms F82L.
Identifiers: ClinVar variation 2069856 (VCV002069856.4), dbSNP rs142161948, ClinGen allele CA384525984.

ClinVar aggregate classification (germline): Uncertain significance (1 of 4 stars; one submission).

Submission:

Labcorp Genetics (formerly Invitae), Labcorp
Classification: Uncertain significance. Last evaluated: 2023-04-16. Review status: criteria provided, single submitter. Criteria: Invitae Variant Classification Sherloc (09022015). Collection method: clinical testing. Allele origin: germline.
Comment: In summary, the available evidence is currently insufficient to determine the role of this variant in disease. Therefore, it has been classified as a Variant of Uncertain Significance. Algorithms developed to predict the effect of sequence changes on RNA splicing suggest that this variant may disrupt the consensus splice site. Advanced modeling of protein sequence and biophysical properties (such as structural, functional, and spatial information, amino acid conservation, physicochemical variation, residue mobility, and thermodynamic stability) performed at Invitae indicates that this missense variant is not expected to disrupt COL2A1 protein function. ClinVar contains an entry for this variant (Variation ID: 2069856). This variant has not been reported in the literature in individuals affected with COL2A1-related conditions. This variant is not present in population databases (gnomAD no frequency). This sequence change replaces phenylalanine, which is neutral and non-polar, with leucine, which is neutral and non-polar, at codon 82 of the COL2A1 protein (p.Phe82Leu).